The following is an entry in ClinVar:

ClinVar aggregate classification (germline): Uncertain significance (1 of 4 stars; one submission).

Conditions:
Very long chain acyl-CoA dehydrogenase deficiency (ACADVLD). Also called: Very Long-Chain Acyl-Coenzyme A Dehydrogenase Deficiency; VLCAD Deficiency. Identifiers: Orphanet 26793, MedGen C3887523, MONDO:0008723, OMIM 201475.

gnomAD v4.1: 1 of 1,614,100 alleles (0.000062%); highest among the groups gnomAD compares: Non-Finnish European, 0.000085%; no homozygotes.

Submission:

ARUP Laboratories, Molecular Genetics and Genomics, ARUP Laboratories
Classification: Uncertain significance for Very long chain acyl-CoA dehydrogenase deficiency. Last evaluated: 2024-07-09. Review status: criteria provided, single submitter. Criteria: ARUP Molecular Germline Variant Investigation Process 2024. Collection method: clinical testing. Allele origin: germline.
Comment: The ACADVL c.1934G>T; p.Gly645Val variant, to our knowledge, is not reported in the medical literature or gene specific databases. This variant is also absent from the Genome Aggregation Database (v2.1.1), indicating it is not a common polymorphism. Computational analyses predict that this variant is deleterious (REVEL: 0.897). However, given the lack of clinical and functional data, the significance of this variant is uncertain at this time.

NM_000018.4(ACADVL):c.1934G>T (p.Gly645Val)

Gene: ACADVL (acyl-CoA dehydrogenase very long chain; plus strand). Cytogenetic location: 17p13.1.
Variant type: single nucleotide variant.
Coding change: c.1934G>T on transcript NM_000018.4 (MANE Select); coding-DNA position 1934, G replaced by T.
Protein change: p.Gly645Val; replaces glycine 645 with valine.
Molecular consequence: missense variant.
Genome position (GRCh38, 1-based): chr17:7,225,063, G>T. VCF-style: chr17-7225063-G-T. GRCh37 (hg19) VCF-style: chr17-7128382-G-T.
Other names: c.1868G>T, p.Gly623Val (NM_001033859.3); c.2003G>T, p.Gly668Val (NM_001270447.2); c.1706G>T, p.Gly569Val (NM_001270448.2); short protein forms G569V, G623V, G645V, G668V.
Identifiers: ClinVar variation 3766706 (VCV003766706.1).